The following is an entry in ClinVar:

ClinVar aggregate classification (germline): Likely benign (0 of 4 stars; one submission).

Conditions:
OLR1-related disorder. Also called: OLR1-related condition.

Allele frequency attached by ClinVar (database versions not stated): gnomAD exomes 0.00001; gnomAD 0.00002; TOPMed 0.00005; ExAC 0.00009.
gnomAD v4.1: 57 of 1,613,116 alleles (0.0035%); highest among the groups gnomAD compares: East Asian, 0.047%; no homozygotes.

Submission:

PreventionGenetics, part of Exact Sciences
Classification: Likely benign for OLR1-related condition. Last evaluated: 2019-02-20. Review status: no assertion criteria provided. Collection method: clinical testing. Allele origin: germline.
Comment: This variant is classified as likely benign based on ACMG/AMP sequence variant interpretation guidelines (Richards et al. 2015 PMID: 25741868, with internal and published modifications).

NM_002543.4(OLR1):c.582A>T (p.Ala194=)

Gene: OLR1 (oxidized low density lipoprotein receptor 1; minus strand). Cytogenetic location: 12p13.2.
Variant type: single nucleotide variant.
Coding change: c.582A>T on transcript NM_002543.4 (MANE Select); coding-DNA position 582, A replaced by T.
Protein change: p.Ala194=; no amino-acid change (alanine 194 retained).
Molecular consequence: synonymous variant. On other transcripts: missense variant (1), intron variant (1).
Genome position (GRCh38, 1-based): chr12:10,160,445, T>A on the plus strand (A>T on the coding strand, the complement: OLR1 is on the minus strand). VCF-style: chr12-10160445-T-A. GRCh37 (hg19) VCF-style: chr12-10313044-T-A.
Other names: c.442A>T, p.Asn148Tyr (NM_001172632.2); c.564+341A>T (NM_001172633.2); short protein forms N148Y.
Identifiers: ClinVar variation 3046893 (VCV003046893.2), dbSNP rs375085053, ClinGen allele CA6444283.
Genomic context (GRCh38, chr12:10,160,445, plus strand): 5'-TGGGTAGCTGGGGTTCCTCCGAGACAGCCCCATCCAGAATGGAAAACTGGAATAGGAAAT[T>A]GCTTGCTGGATGAAGTCCTGTGGGGAGTAATGTTTCTGAGTTTGTGGAATCCACATGGTG-3'
Protein context (NP_002534.1, residues 184-204): STADLDFIQQ[Ala194=]ISYSSFPFWM